The following is an entry in ClinVar:

NM_003742.4(ABCB11):c.3890dup (p.Thr1299fs)

Gene: ABCB11 (ATP binding cassette subfamily B member 11; minus strand). Cytogenetic location: 2q31.1.
Variant type: Duplication.
Coding change: c.3890dup on transcript NM_003742.4 (MANE Select); coding-DNA position 3890, one base duplicated (A; older notation c.3890dupA).
Protein change: p.Thr1299fs; shifts the reading frame from threonine 1299.
Molecular consequence: frameshift variant.
Genome position (GRCh38, 1-based): chr2:168,923,698, T duplicated on the plus strand (A on the coding strand, the reverse complement: ABCB11 is on the minus strand); the first of 4 consecutive T bases (chr2:168,923,698-168,923,701); duplicating any one gives the same sequence. VCF-style (leftmost placement, unchanged base first): chr2-168923697-C-CT. GRCh37 (hg19) VCF-style: chr2-169780207-C-CT.
Other names: short protein forms T1299fs.
Identifiers: ClinVar variation 2117852 (VCV002117852.5), dbSNP rs2545223678, ClinGen allele CA2580064379.

ClinVar aggregate classification (germline): Conflicting classifications of pathogenicity. Review status: criteria provided, conflicting classifications (1 of 4 stars). 2 submissions from 2 submitters: Pathogenic (1); Uncertain significance (1). Last evaluated 2025-09-24.

Conditions:
Progressive familial intrahepatic cholestasis type 2. Identifiers: Orphanet 79304, MedGen C3489789, MONDO:0011156, OMIM 601847.

Submissions (2):

Genesolutions, Medical Genetics Institutes, Ho Chi Minh City, Vietnam
Classification: Uncertain significance for Progressive familial intrahepatic cholestasis type 2. Last evaluated: 2025-09-24. Review status: criteria provided, single submitter. Criteria: ACMG Guidelines, 2015. Collection method: clinical testing. Allele origin: germline. Affected: yes.

Labcorp Genetics (formerly Invitae), Labcorp
Classification: Pathogenic. Last evaluated: 2022-03-26. Review status: criteria provided, single submitter. Criteria: Invitae Variant Classification Sherloc (09022015). Collection method: clinical testing. Allele origin: germline.
Comment: This sequence change creates a premature translational stop signal (p.Thr1299Aspfs*3) in the ABCB11 gene. While this is not anticipated to result in nonsense mediated decay, it is expected to disrupt the last 23 amino acid(s) of the ABCB11 protein. This variant is not present in population databases (gnomAD no frequency). This variant has not been reported in the literature in individuals affected with ABCB11-related conditions. This variant disrupts a region of the ABCB11 protein in which other variant(s) (p.Glu1302*) have been determined to be pathogenic (PMID: 18395098, 31015375). This suggests that this is a clinically significant region of the protein, and that variants that disrupt it are likely to be disease-causing. For these reasons, this variant has been classified as Pathogenic.

Literature cited by the submitters: PubMed 18395098 (cited by Labcorp Genetics (formerly Invitae), Labcorp); PubMed 31015375 (cited by Labcorp Genetics (formerly Invitae), Labcorp).